The following is an entry in ClinVar:

NM_015915.5(ATL1):c.776C>T (p.Ser259Phe)

Gene: ATL1 (atlastin GTPase 1; plus strand). Cytogenetic location: 14q22.1.
Variant type: single nucleotide variant.
Coding change: c.776C>T on transcript NM_015915.5 (MANE Select); coding-DNA position 776, C replaced by T.
Protein change: p.Ser259Phe; replaces serine 259 with phenylalanine.
Molecular consequence: missense variant.
Genome position (GRCh38, 1-based): chr14:50,614,425, C>T. VCF-style: chr14-50614425-C-T. GRCh37 (hg19) VCF-style: chr14-51081143-C-T.
Other names: c.776C>T, p.Ser259Phe (NM_001127713.1, NM_181598.4); short protein forms S259F.
Identifiers: ClinVar variation 949900 (VCV000949900.13), dbSNP rs119476047, ClinGen allele CA389671673.

ClinVar aggregate classification (germline): Conflicting classifications of pathogenicity. Review status: criteria provided, conflicting classifications (1 of 4 stars). 3 submissions from 3 submitters: Pathogenic (2); Uncertain significance (1). Last evaluated 2022-02-22.

Conditions:
Hereditary spastic paraplegia 3A (SPG3A). Also called: STRUMPELL DISEASE; SPASTIC PARAPLEGIA 3, AUTOSOMAL DOMINANT; FAMILIAL SPASTIC PARAPLEGIA, AUTOSOMAL DOMINANT, 1; SPG3; Spastic Paraplegia 3A; Spastic paraplegia 3A, autosomal dominant. Identifiers: Orphanet 100984, MedGen C2931355, MONDO:0008437, OMIM 182600.

Submissions (3):

Labcorp Genetics (formerly Invitae), Labcorp
Classification: Pathogenic for Hereditary spastic paraplegia 3A. Last evaluated: 2022-02-22. Review status: criteria provided, single submitter. Criteria: Invitae Variant Classification Sherloc (09022015). Collection method: clinical testing. Allele origin: germline.
Comment: This sequence change replaces serine, which is neutral and polar, with phenylalanine, which is neutral and non-polar, at codon 259 of the ATL1 protein (p.Ser259Phe). This variant is not present in population databases (gnomAD no frequency). This missense change has been observed in individuals with clinical features of autosomal dominant hereditary spastic paraplegia (PMID: 19459885, 29691679). ClinVar contains an entry for this variant (Variation ID: 949900). Advanced modeling of protein sequence and biophysical properties (such as structural, functional, and spatial information, amino acid conservation, physicochemical variation, residue mobility, and thermodynamic stability) performed at Invitae indicates that this missense variant is not expected to disrupt ATL1 protein function. This variant disrupts the p.Ser259 amino acid residue in ATL1. Other variant(s) that disrupt this residue have been determined to be pathogenic (PMID: 11685207, 29907907). This suggests that this residue is clinically significant, and that variants that disrupt this residue are likely to be disease-causing. For these reasons, this variant has been classified as Pathogenic.

Institute of Medical Genetics and Applied Genomics, University Hospital Tübingen
Classification: Pathogenic. Last evaluated: 2020-10-23. Review status: criteria provided, single submitter. Criteria: ACMG Guidelines, 2015. Collection method: clinical testing. Allele origin: germline. Inheritance: Unknown mechanism. Affected: yes.

Revvity Omics, Revvity
Classification: Uncertain significance. Last evaluated: 2020-01-03. Review status: criteria provided, single submitter. Criteria: ACMG Guidelines, 2015. Collection method: clinical testing. Allele origin: germline.

Literature cited by the submitters: PubMed 19459885 (cited by Labcorp Genetics (formerly Invitae), Labcorp); PubMed 29691679 (cited by Labcorp Genetics (formerly Invitae), Labcorp); PubMed 11685207 (cited by Labcorp Genetics (formerly Invitae), Labcorp); PubMed 29907907 (cited by Labcorp Genetics (formerly Invitae), Labcorp).